The following is an entry in ClinVar:

ClinVar aggregate classification (germline): Conflicting classifications of pathogenicity. Review status: criteria provided, conflicting classifications (1 of 4 stars). 7 submissions from 7 submitters: Uncertain significance (4); Likely benign (3). Last evaluated 2026-10-01.

Conditions:
Hereditary cancer-predisposing syndrome. Also called: Hereditary neoplastic syndrome; Neoplastic Syndromes, Hereditary; Hereditary Cancer Syndrome; Tumor predisposition. Identifiers: Orphanet 140162, MedGen C0027672, MeSH D009386, MONDO:0015356.
Malignant tumor of urinary bladder. Also called: Bladder cancer; Urinary Bladder Neoplasms; Urinary bladder cancer. Identifiers: MedGen C0005684, MONDO:0001187, OMIM 109800.
Retinoblastoma (RB1). Also called: RETINOBLASTOMA, SOMATIC. Identifiers: Orphanet 790, MedGen C0035335, MeSH D012175, MONDO:0008380, OMIM 180200, HP:0009919. Disease mechanism: loss of function. Inheritance: Both sporadic and heritable forms are tested..

Allele frequency attached by ClinVar (database versions not stated): gnomAD 0.00001; TOPMed 0.00001; ExAC 0.00002; gnomAD exomes 0.00002.
gnomAD v4.1: 16 of 1,612,926 alleles (0.00099%); highest among the groups gnomAD compares: Middle Eastern, 0.016%; no homozygotes.

Submissions (7):

St. Jude Molecular Pathology, St. Jude Children's Research Hospital
Classification: Uncertain significance for Retinoblastoma. Last evaluated: 2026-10-01. Review status: criteria provided, single submitter. Criteria: St. Jude Assertion Criteria 2020. Collection method: clinical testing. Allele origin: germline.
Comment: The RB1 c.1736G>A p.(Arg579Gln) missense change has a maximum subpopulation frequency of 0.007% in gnomAD v2.1.1. The in silico tool REVEL is inconclusive about a pathogenic or benign effect of this variant on protein function, and to our knowledge functional studies have not been performed. To our knowledge, this variant has not been reported in indiv iduals with retinoblastoma. In summary, the evidence currently available is insufficient to determine the clinical significance of this variant. It has therefore been classified as of uncertain significance (VUS-Low).

Labcorp Genetics (formerly Invitae), Labcorp
Classification: Uncertain significance for Retinoblastoma. Last evaluated: 2025-12-23. Review status: criteria provided, single submitter. Criteria: Invitae Variant Classification Sherloc (09022015). Collection method: clinical testing. Allele origin: germline.
Comment: This sequence change replaces arginine, which is basic and polar, with glutamine, which is neutral and polar, at codon 579 of the RB1 protein (p.Arg579Gln). This variant is present in population databases (rs751560923, gnomAD 0.01%). This variant has not been reported in the literature in individuals affected with RB1-related conditions. ClinVar contains an entry for this variant (Variation ID: 410936). Invitae Evidence Modeling of protein sequence and biophysical properties (such as structural, functional, and spatial information, amino acid conservation, physicochemical variation, residue mobility, and thermodynamic stability) indicates that this missense variant is not expected to disrupt RB1 protein function with a negative predictive value of 80%. In summary, the available evidence is currently insufficient to determine the role of this variant in disease. Therefore, it has been classified as a Variant of Uncertain Significance.

Genetic Diagnostic Laboratory, University of Pennsylvania School of Medicine
Classification: Uncertain significance for Retinoblastoma. Last evaluated: 2024-05-20. Review status: criteria provided, single submitter. Criteria: ACMG Guidelines, 2015. Collection method: clinical testing. Allele origin: germline. Affected: yes. Observed: 1 variant allele.
Comment: Case and Pedigree Information: BILATERAL CASES:0, UNILATERAL CASES:1, TOTAL CASES:1, PEDIGREES:1. ACMG Codes Applied:

All of Us Research Program, National Institutes of Health
Classification: Likely benign for Retinoblastoma. Last evaluated: 2024-04-16. Review status: criteria provided, single submitter. Criteria: ACMG Guidelines, 2015. Collection method: clinical testing. Allele origin: germline. Inheritance: Autosomal dominant inheritance. Observed: 3 variant alleles, 3 heterozygotes.
Comment: This study involves interpretation of variants in research participants for the purpose of population health screening. Participant phenotype was not available at the time of variant classification. Additional details can be found in publication PMID: 35346344, PMCID: PMC8962531

Baylor Genetics
Classification: Uncertain significance for Malignant tumor of urinary bladder. Last evaluated: 2023-08-30. Review status: criteria provided, single submitter. Criteria: ACMG Guidelines, 2015. Collection method: clinical testing. Allele origin: unknown.

Color Diagnostics, LLC DBA Color Health
Classification: Likely benign for Retinoblastoma. Last evaluated: 2022-04-29. Review status: criteria provided, single submitter. Criteria: ACMG Guidelines, 2015. Collection method: clinical testing. Allele origin: germline.

Ambry Genetics
Classification: Likely benign for Hereditary cancer-predisposing syndrome. Last evaluated: 2022-02-03. Review status: criteria provided, single submitter. Criteria: Ambry Variant Classification Scheme 2023. Collection method: clinical testing. Allele origin: germline.

NM_000321.3(RB1):c.1736G>A (p.Arg579Gln)

Gene: RB1 (RB transcriptional corepressor 1; plus strand). Cytogenetic location: 13q14.2.
Variant type: single nucleotide variant.
Coding change: c.1736G>A on transcript NM_000321.3 (MANE Select); coding-DNA position 1736, G replaced by A.
Protein change: p.Arg579Gln; replaces arginine 579 with glutamine.
Molecular consequence: missense variant.
Genome position (GRCh38, 1-based): chr13:48,453,033, G>A. VCF-style: chr13-48453033-G-A. GRCh37 (hg19) VCF-style: chr13-49027169-G-A.
Other names: short protein forms R579Q.
Identifiers: ClinVar variation 410936 (VCV000410936.18), dbSNP rs751560923, ClinGen allele CA032389.
Genomic context (GRCh38, chr13:48,453,033, plus strand): 5'-TTTCATCATGTTTCATATAGGATTCACCTTTATTTGATCTTATTAAACAATCAAAGGACC[G>A]AGAAGGACCAACTGATCACCTTGAATCTGCTTGTCCTCTTAATCTTCCTCTCCAGAATAA-3'
Protein context (NP_000312.2, residues 569-589): LFDLIKQSKD[Arg579Gln]EGPTDHLESA